The following is an entry in ClinVar:

NM_004958.4(MTOR):c.3300C>A (p.Ile1100=)

Gene: MTOR (mechanistic target of rapamycin kinase; minus strand). Cytogenetic location: 1p36.22.
Variant type: single nucleotide variant.
Coding change: c.3300C>A on transcript NM_004958.4 (MANE Select); coding-DNA position 3300, C replaced by A.
Protein change: p.Ile1100=; no amino-acid change (isoleucine 1100 retained).
Molecular consequence: synonymous variant.
Genome position (GRCh38, 1-based): chr1:11,212,894, G>T on the plus strand (C>A on the coding strand, the complement: MTOR is on the minus strand). VCF-style: chr1-11212894-G-T. GRCh37 (hg19) VCF-style: chr1-11272951-G-T.
Other names: c.3300C>A, p.Ile1100= (NM_001386500.1); c.2052C>A, p.Ile684= (NM_001386501.1).
Identifiers: ClinVar variation 2507356 (VCV002507356.1), dbSNP rs2523113773, ClinGen allele CA415915917.
Genomic context (GRCh38, chr1:11,212,894, plus strand): 5'-CTTAACAATAGGAGGCAGCAGTAAATGCAGGTAGTCATCCAGGTTGGCGCCAAACAGCTG[G>T]ATTGCAGCCAGTAACTGCAAAAGGGAGCAAAAGCATGGTGATGAATAGTCAGGTCCCAAG-3'
Protein context (NP_004949.1, residues 1090-1110): RIVSIKLLAA[Ile1100=]QLFGANLDDY

ClinVar aggregate classification (germline): Uncertain significance (1 of 4 stars; one submission).

Allele frequency attached by ClinVar (database versions not stated): gnomAD exomes below 0.00001.
gnomAD v4.1: 2 of 1,614,022 alleles (0.00012%); highest among the groups gnomAD compares: Non-Finnish European, 0.00017%; no homozygotes.

Submission:

GeneDx
Classification: Uncertain significance. Last evaluated: 2022-12-29. Review status: criteria provided, single submitter. Criteria: GeneDx Variant Classification Process June 2021. Collection method: clinical testing. Allele origin: germline. Affected: yes.
Comment: Not observed at significant frequency in large population cohorts (gnomAD); In silico analysis supports that this variant does not alter splicing; Has not been previously published as pathogenic or benign to our knowledge